The following is an entry in ClinVar:

NM_004821.3(HAND1):c.608G>C (p.Gly203Ala)

Gene: HAND1 (heart and neural crest derivatives expressed 1; minus strand). Cytogenetic location: 5q33.2.
Variant type: single nucleotide variant.
Coding change: c.608G>C on transcript NM_004821.3 (MANE Select); coding-DNA position 608, G replaced by C.
Protein change: p.Gly203Ala; replaces glycine 203 with alanine.
Molecular consequence: missense variant.
Genome position (GRCh38, 1-based): chr5:154,475,846, C>G on the plus strand (G>C on the coding strand, the complement: HAND1 is on the minus strand). VCF-style: chr5-154475846-C-G. GRCh37 (hg19) VCF-style: chr5-153855406-C-G.
Other names: short protein forms G203A.
Identifiers: ClinVar variation 2632015 (VCV002632015.4), dbSNP rs762786810, ClinGen allele CA3526510.

ClinVar aggregate classification (germline): Uncertain significance. Review status: criteria provided, multiple submitters, no conflicts (2 of 4 stars). 2 submissions from 2 submitters: Uncertain significance (2). Last evaluated 2024-08-02.

Conditions:
HAND1-related disorder. Also called: HAND1-related condition.
Hypoplastic left heart syndrome. Also called: Hypoplastic left ventricle; Hypoplastic left heart. Identifiers: Orphanet 2248, MedGen C0152101, MONDO:0004933, HP:0004383.

Allele frequency attached by ClinVar (database versions not stated): gnomAD exomes below 0.00001; TOPMed below 0.00001; ExAC 0.00001.

Submissions (2):

Labcorp Genetics (formerly Invitae), Labcorp
Classification: Uncertain significance for Hypoplastic left heart syndrome. Last evaluated: 2024-08-02. Review status: criteria provided, single submitter. Criteria: Invitae Variant Classification Sherloc (09022015). Collection method: clinical testing. Allele origin: germline.
Comment: This sequence change replaces glycine, which is neutral and non-polar, with alanine, which is neutral and non-polar, at codon 203 of the HAND1 protein (p.Gly203Ala). This variant is present in population databases (rs762786810, gnomAD 0.006%). This variant has not been reported in the literature in individuals affected with HAND1-related conditions. ClinVar contains an entry for this variant (Variation ID: 2632015). An algorithm developed to predict the effect of missense changes on protein structure and function (PolyPhen-2) suggests that this variant is likely to be disruptive. In summary, the available evidence is currently insufficient to determine the role of this variant in disease. Therefore, it has been classified as a Variant of Uncertain Significance.

PreventionGenetics, part of Exact Sciences
Classification: Uncertain significance for HAND1-related condition. Last evaluated: 2023-04-29. Review status: criteria provided, single submitter. Criteria: ACMG Guidelines, 2015. Collection method: clinical testing. Allele origin: germline.
Comment: The HAND1 c.608G>C variant is predicted to result in the amino acid substitution p.Gly203Ala. To our knowledge, this variant has not been reported in the literature. This variant is reported in 0.0058% of alleles in individuals of Latino descent in gnomAD. At this time, the clinical significance of this variant is uncertain due to the absence of conclusive functional and genetic evidence.